The following is an entry in ClinVar:

NM_006231.4(POLE):c.6275del (p.Gly2092fs)

Gene: POLE (DNA polymerase epsilon, catalytic subunit; minus strand). Cytogenetic location: 12q24.33.
Variant type: Deletion.
Coding change: c.6275del on transcript NM_006231.4 (MANE Select); coding-DNA position 6275, one base deleted (G; older notation c.6275delG).
Protein change: p.Gly2092fs; shifts the reading frame from glycine 2092.
Molecular consequence: frameshift variant.
Genome position (GRCh38, 1-based): chr12:132,632,370, C deleted on the plus strand (G on the coding strand, the reverse complement: POLE is on the minus strand); the first of 2 consecutive C bases (chr12:132,632,370-132,632,371); deleting either gives the same sequence. VCF-style (leftmost placement, unchanged base first): chr12-132632369-AC-A. GRCh37 (hg19) VCF-style: chr12-133208955-AC-A.
Other names: short protein forms G2092fs.
Identifiers: ClinVar variation 1522916 (VCV001522916.8), dbSNP rs2138459935, ClinGen allele CA2573148184.
Genomic context (GRCh38, chr12:132,632,369, plus strand): 5'-TCTCACCTTGCACACGTATTTGATGAACTCCAGGGCAGGGTTATTGAGCAGCAAGTGGGA[AC>A]CGGGGAGGACAGGAAACATCTCTGAGAGCTCAGTGGAGTTCCGAGAGCCTGTGACTTTCT-3'

ClinVar aggregate classification (germline): Pathogenic (1 of 4 stars; one submission).

Submission:

Labcorp Genetics (formerly Invitae), Labcorp
Classification: Pathogenic. Last evaluated: 2025-05-05. Review status: criteria provided, single submitter. Criteria: Invitae Variant Classification Sherloc (09022015). Collection method: clinical testing. Allele origin: germline.
Comment: This sequence change creates a premature translational stop signal (p.Gly2092Valfs*31) in the POLE gene. It is expected to result in an absent or disrupted protein product. Loss-of-function variants in POLE are known to be pathogenic (PMID: 23230001, 25948378, 30503519). This variant is not present in population databases (gnomAD no frequency). This variant has not been reported in the literature in individuals affected with POLE-related conditions. ClinVar contains an entry for this variant (Variation ID: 1522916). For these reasons, this variant has been classified as Pathogenic.

Literature cited by the submitters: PubMed 23230001; PubMed 25948378; PubMed 30503519.